The following is an entry in ClinVar:

ClinVar aggregate classification (germline): Uncertain significance (1 of 4 stars; one submission).

Allele frequency attached by ClinVar (database versions not stated): TOPMed 0.00001; gnomAD exomes below 0.00001; gnomAD 0.00002.
gnomAD v4.1: 7 of 1,610,234 alleles (0.00043%); highest among the groups gnomAD compares: Non-Finnish European, 0.00051%; no homozygotes.

Submission:

Labcorp Genetics (formerly Invitae), Labcorp
Classification: Uncertain significance. Last evaluated: 2021-09-24. Review status: criteria provided, single submitter. Criteria: Invitae Variant Classification Sherloc (09022015). Collection method: clinical testing. Allele origin: germline.
Comment: This sequence change replaces alanine with valine at codon 284 of the TSEN54 protein (p.Ala284Val). The alanine residue is weakly conserved and there is a small physicochemical difference between alanine and valine. This variant is not present in population databases (ExAC no frequency). This variant has not been reported in the literature in individuals with TSEN54-related conditions. Algorithms developed to predict the effect of missense changes on protein structure and function output the following: SIFT: "Tolerated"; PolyPhen-2: "Benign"; Align-GVGD: "Class C0". The valine amino acid residue is found in multiple mammalian species, suggesting that this missense change does not adversely affect protein function. These predictions have not been confirmed by published functional studies and their clinical significance is uncertain. In summary, the available evidence is currently insufficient to determine the role of this variant in disease. Therefore, it has been classified as a Variant of Uncertain Significance.

NM_207346.3(TSEN54):c.851C>T (p.Ala284Val)

Gene: TSEN54 (tRNA splicing endonuclease subunit 54; plus strand). Cytogenetic location: 17q25.1.
Variant type: single nucleotide variant.
Coding change: c.851C>T on transcript NM_207346.3 (MANE Select); coding-DNA position 851, C replaced by T.
Protein change: p.Ala284Val; replaces alanine 284 with valine.
Molecular consequence: missense variant.
Genome position (GRCh38, 1-based): chr17:75,521,932, C>T. VCF-style: chr17-75521932-C-T. GRCh37 (hg19) VCF-style: chr17-73518013-C-T.
Other names: short protein forms A284V.
Identifiers: ClinVar variation 1497586 (VCV001497586.5), dbSNP rs1298711128, ClinGen allele CA401029250.